The following is an entry in ClinVar:

NM_001374736.1(DST):c.17863T>C (p.Ser5955Pro)

Gene: DST (dystonin; minus strand). Cytogenetic location: 6p12.1.
Variant type: single nucleotide variant.
Coding change: c.17863T>C on transcript NM_001374736.1 (MANE Select); coding-DNA position 17863, T replaced by C.
Protein change: p.Ser5955Pro; replaces serine 5955 with proline.
Molecular consequence: missense variant.
Genome position (GRCh38, 1-based): chr6:56,527,552, A>G on the plus strand (T>C on the coding strand, the complement: DST is on the minus strand). VCF-style: chr6-56527552-A-G. GRCh37 (hg19) VCF-style: chr6-56392350-A-G.
Other names: p.Ser3332Pro; c.11506T>C, p.Ser3836Pro (NM_001144769.5); c.11092T>C, p.Ser3698Pro (NM_001144770.2); c.17863T>C, p.Ser5955Pro (NM_001374722.1); c.16903T>C, p.Ser5635Pro (NM_001374729.1); c.10645T>C, p.Ser3549Pro (NM_001374730.1); c.17890T>C, p.Ser5964Pro (NM_001374734.1); c.10972T>C, p.Ser3658Pro (NM_001386100.1, NM_183380.4); and 1 more; short protein forms S3332P, S3549P, S3658P, S3698P, S3836P, S5635P, S5955P, S5964P.
Identifiers: ClinVar variation 3379689 (VCV003379689.1).
Genomic context (GRCh38, chr6:56,527,552, plus strand): 5'-CCTTTGGTCTCATTTGTGCTTGACTTGCTTCTTCTCCTTTCAGAACCTGAGTTTCATATG[A>G]AAGTAATTCCACCTCCACTTTGTCCAGCCAGGTACACAGCTCTTCGTGTGTGGAGTGCAG-3'
Protein context (NP_001361665.1, residues 5945-5965): WLDKVEVELL[Ser5955Pro]YETQVLKGEE

ClinVar aggregate classification (germline): Uncertain significance (1 of 4 stars; one submission).

Submission:

Mayo Clinic Laboratories, Mayo Clinic
Classification: Uncertain significance. Last evaluated: 2024-04-12. Review status: criteria provided, single submitter. Criteria: ACMG Guidelines, 2015. Collection method: clinical testing. Allele origin: germline. Observed: 2 variant alleles.
Comment: BP4, PM2